The following is an entry in ClinVar:

ClinVar aggregate classification (germline): Uncertain significance (1 of 4 stars; one submission).

gnomAD v4.1: 7 of 1,613,604 alleles (0.00043%); highest among the groups gnomAD compares: East Asian, 0.0045%; no homozygotes.

Submission:

Labcorp Genetics (formerly Invitae), Labcorp
Classification: Uncertain significance. Last evaluated: 2024-02-20. Review status: criteria provided, single submitter. Criteria: Invitae Variant Classification Sherloc (09022015). Collection method: clinical testing. Allele origin: germline.
Comment: This sequence change replaces tyrosine, which is neutral and polar, with cysteine, which is neutral and slightly polar, at codon 153 of the GUCY2C protein (p.Tyr153Cys). This variant is not present in population databases (gnomAD no frequency). This variant has not been reported in the literature in individuals affected with GUCY2C-related conditions. Advanced modeling of protein sequence and biophysical properties (such as structural, functional, and spatial information, amino acid conservation, physicochemical variation, residue mobility, and thermodynamic stability) performed at Invitae indicates that this missense variant is expected to disrupt GUCY2C protein function with a positive predictive value of 80%. In summary, the available evidence is currently insufficient to determine the role of this variant in disease. Therefore, it has been classified as a Variant of Uncertain Significance.

NM_004963.4(GUCY2C):c.458A>G (p.Tyr153Cys)

Genes: GUCY2C (guanylate cyclase 2C; minus strand), GUCY2C-AS1 (GUCY2C antisense RNA 1; plus strand). Cytogenetic location: 12p12.3.
Variant type: single nucleotide variant.
Coding change: c.458A>G on transcript NM_004963.4 (MANE Select); coding-DNA position 458, A replaced by G.
Protein change: p.Tyr153Cys; replaces tyrosine 153 with cysteine.
Molecular consequence: missense variant.
Genome position (GRCh38, 1-based): chr12:14,683,195, T>C on the plus strand (A>G on the coding strand, the complement: GUCY2C is on the minus strand). VCF-style: chr12-14683195-T-C. GRCh37 (hg19) VCF-style: chr12-14836129-T-C.
Other names: short protein forms Y153C.
Identifiers: ClinVar variation 3617625 (VCV003617625.2).
Genomic context (GRCh38, chr12:14,683,195, plus strand): 5'-TTAACCAAGAAGTACATCAACTTTCTAGCTGGAGACATCAGCCTGGTTAAGGTTTCTTTA[T>C]AGTCACATGACAATCCAAAACTTCCAGCTGAGATCATGGGGTAGCTCAATTCTGTGTCAA-3'
Protein context (NP_004954.2, residues 143-163): SAGSFGLSCD[Tyr153Cys]KETLTRLMSP